The following is an entry in ClinVar:

ClinVar aggregate classification (germline): Uncertain significance (1 of 4 stars; one submission).

gnomAD v4.1: 14 of 1,613,986 alleles (0.00087%); highest among the groups gnomAD compares: Admixed American, 0.0017%; no homozygotes.

Submission:

Labcorp Genetics (formerly Invitae), Labcorp
Classification: Uncertain significance. Last evaluated: 2024-11-27. Review status: criteria provided, single submitter. Criteria: Invitae Variant Classification Sherloc (09022015). Collection method: clinical testing. Allele origin: germline.
Comment: This sequence change replaces asparagine, which is neutral and polar, with serine, which is neutral and polar, at codon 267 of the MAPKAPK3 protein (p.Asn267Ser). This variant is present in population databases (no rsID available, gnomAD 0.003%). This variant has not been reported in the literature in individuals affected with MAPKAPK3-related conditions. An algorithm developed to predict the effect of missense changes on protein structure and function outputs the following: PolyPhen-2: "Benign". The serine amino acid residue is found in multiple mammalian species, which suggests that this missense change does not adversely affect protein function. In summary, the available evidence is currently insufficient to determine the role of this variant in disease. Therefore, it has been classified as a Variant of Uncertain Significance.

NM_001243925.2(MAPKAPK3):c.800A>G (p.Asn267Ser)

Gene: MAPKAPK3 (MAPK activated protein kinase 3; plus strand). Cytogenetic location: 3p21.2.
Variant type: single nucleotide variant.
Coding change: c.800A>G on transcript NM_001243925.2 (MANE Select); coding-DNA position 800, A replaced by G.
Protein change: p.Asn267Ser; replaces asparagine 267 with serine.
Molecular consequence: missense variant.
Genome position (GRCh38, 1-based): chr3:50,646,235, A>G. VCF-style: chr3-50646235-A-G. GRCh37 (hg19) VCF-style: chr3-50683666-A-G.
Other names: c.800A>G, p.Asn267Ser (NM_001243926.2, NM_004635.5); short protein forms N267S.
Identifiers: ClinVar variation 3679499 (VCV003679499.2).